The following is an entry in ClinVar:

NM_198904.4(GABRG2):c.419A>G (p.Asn140Ser)

Gene: GABRG2 (gamma-aminobutyric acid type A receptor subunit gamma2; plus strand). Cytogenetic location: 5q34.
Variant type: single nucleotide variant.
Coding change: c.419A>G on transcript NM_198904.4 (MANE Select); coding-DNA position 419, A replaced by G.
Protein change: p.Asn140Ser; replaces asparagine 140 with serine.
Molecular consequence: missense variant. On other transcripts: 5 prime UTR variant (2).
Genome position (GRCh38, 1-based): chr5:162,097,729, A>G. VCF-style: chr5-162097729-A-G. GRCh37 (hg19) VCF-style: chr5-161524735-A-G.
Other names: c.419A>G, p.Asn140Ser (NM_000816.3, NM_001375340.1, NM_001375341.1 and 4 more transcripts); c.410A>G, p.Asn137Ser (NM_001375339.1); c.353A>G, p.Asn118Ser (NM_001375345.1, NM_001375346.1); c.332A>G, p.Asn111Ser (NM_001375347.1); c.-2A>G (NM_001375348.1, NM_001375350.1); c.134A>G, p.Asn45Ser (NM_001375349.1); short protein forms N140S, N111S, N118S, N137S, N45S.
Identifiers: ClinVar variation 1431649 (VCV001431649.11), dbSNP rs1554097879, ClinGen allele CA314715.

ClinVar aggregate classification (germline): Conflicting classifications of pathogenicity. Review status: criteria provided, conflicting classifications (1 of 4 stars). 3 submissions from 3 submitters: Likely pathogenic (1); Uncertain significance (2). Last evaluated 2025-02-19.

Conditions:
Developmental and epileptic encephalopathy, 74. Also called: EPILEPTIC ENCEPHALOPATHY, EARLY INFANTILE, 74. Identifiers: MedGen C5193074, MONDO:0032725, OMIM 618396.
Febrile seizures, familial, 8 (FEB8). Also called: CONVULSIONS, FAMILIAL FEBRILE, 8. Identifiers: Orphanet 36387, MedGen C1969810, MONDO:0011891, OMIM 607681.
EPILEPSY, CHILDHOOD ABSENCE, SUSCEPTIBILITY TO, 2 (ECA2). Identifiers: Orphanet 64280, MedGen C1843244, OMIM 607681.
Seizure. Also called: Seizures. Identifiers: MedGen C0036572, HP:0001250.

Submissions (3):

Cytogénomique, Hospices Civils de Lyon
Classification: Likely pathogenic for Seizure. Last evaluated: 2025-02-19. Review status: criteria provided, single submitter. Criteria: ACMG Guidelines, 2015. Collection method: clinical testing. Allele origin: paternal. Affected: yes.

Labcorp Genetics (formerly Invitae), Labcorp
Classification: Uncertain significance for Febrile seizures, familial, 8; EPILEPSY, CHILDHOOD ABSENCE, SUSCEPTIBILITY TO, 2. Last evaluated: 2020-11-15. Review status: criteria provided, single submitter. Criteria: Invitae Variant Classification Sherloc (09022015). Collection method: clinical testing. Allele origin: germline.
Comment: In summary, the available evidence is currently insufficient to determine the role of this variant in disease. Therefore, it has been classified as a Variant of Uncertain Significance. Algorithms developed to predict the effect of sequence changes on RNA splicing suggest that this variant may create or strengthen a splice site, but this prediction has not been confirmed by published transcriptional studies. Algorithms developed to predict the effect of missense changes on protein structure and function (SIFT, PolyPhen-2, Align-GVGD) all suggest that this variant is likely to be tolerated, but these predictions have not been confirmed by published functional studies and their clinical significance is uncertain. This variant has been observed in individual(s) with clinical features of GABRG2-related conditions (PMID: 29655203, Invitae). This variant is not present in population databases (ExAC no frequency). This sequence change replaces asparagine with serine at codon 140 of the GABRG2 protein (p.Asn140Ser). The asparagine residue is moderately conserved and there is a small physicochemical difference between asparagine and serine.

Juno Genomics, Hangzhou Juno Genomics, Inc
Classification: Uncertain significance for Febrile seizures, familial, 8; Developmental and epileptic encephalopathy, 74. Review status: criteria provided, single submitter. Criteria: ACMG Guidelines, 2015. Collection method: clinical testing. Allele origin: germline. Affected: yes.
Comment: Absent from controls (or at extremely low frequency if recessive) in Genome Aggregation Database, Exome Sequencing Project, 1000 Genomes Project, or Exome Aggregation Consortium.;The prevalence of the variant in affected individuals is significantly increased compared to the prevalence in controls.;Assumed de novo, but without confirmation of paternity and maternity.

Literature cited by the submitters: PubMed 29655203 (cited by Labcorp Genetics (formerly Invitae), Labcorp).